The following is an entry in ClinVar:

NM_181507.2(HPS5):c.143C>T (p.Ala48Val)

Gene: HPS5 (HPS5 biogenesis of lysosomal organelles complex 2 subunit 2; minus strand). Cytogenetic location: 11p15.1.
Variant type: single nucleotide variant.
Coding change: c.143C>T on transcript NM_181507.2 (MANE Select); coding-DNA position 143, C replaced by T.
Protein change: p.Ala48Val; replaces alanine 48 with valine.
Molecular consequence: missense variant. On other transcripts: 5 prime UTR variant (1).
Genome position (GRCh38, 1-based): chr11:18,311,990, G>A on the plus strand (C>T on the coding strand, the complement: HPS5 is on the minus strand). VCF-style: chr11-18311990-G-A. GRCh37 (hg19) VCF-style: chr11-18333537-G-A.
Other names: c.-200C>T (NM_007216.4, NM_181508.2); short protein forms A48V.
Identifiers: ClinVar variation 3895769 (VCV003895769.1).

ClinVar aggregate classification (germline): Uncertain significance (1 of 4 stars; one submission).

gnomAD v4.1: 4 of 1,613,820 alleles (0.00025%); highest among the groups gnomAD compares: African/African-American, 0.004%; no homozygotes.

Submission:

Women's Health and Genetics/Laboratory Corporation of America, LabCorp
Classification: Uncertain significance. Last evaluated: 2025-03-28. Review status: criteria provided, single submitter. Criteria: LabCorp Variant Classification Summary - May 2015. Collection method: clinical testing. Allele origin: germline.
Comment: Variant summary: HPS5 c.143C>T (p.Ala48Val) results in a non-conservative amino acid change in the encoded protein sequence. Four of five in-silico tools predict a damaging effect of the variant on protein function. The variant allele was found at a frequency of 8e-06 in 251406 control chromosomes. The available data on variant occurrences in the general population are insufficient to allow any conclusion about variant significance. To our knowledge, no occurrence of c.143C>T in individuals affected with Hermansky-Pudlak Syndrome and no experimental evidence demonstrating its impact on protein function have been reported. No submitters have cited clinical-significance assessments for this variant to ClinVar. Based on the evidence outlined above, the variant was classified as uncertain significance.